The following is an entry in ClinVar:

NM_016169.4(SUFU):c.413C>T (p.Ala138Val)

Gene: SUFU (SUFU negative regulator of hedgehog signaling; plus strand). Cytogenetic location: 10q24.32.
Variant type: single nucleotide variant.
Coding change: c.413C>T on transcript NM_016169.4 (MANE Select); coding-DNA position 413, C replaced by T.
Protein change: p.Ala138Val; replaces alanine 138 with valine.
Molecular consequence: missense variant.
Genome position (GRCh38, 1-based): chr10:102,550,065, C>T. VCF-style: chr10-102550065-C-T. GRCh37 (hg19) VCF-style: chr10-104309822-C-T.
Other names: c.413C>T, p.Ala138Val (NM_001178133.2); short protein forms A138V.
Identifiers: ClinVar variation 2499425 (VCV002499425.5), dbSNP rs2135743421, ClinGen allele CA377903517.

ClinVar aggregate classification (germline): Uncertain significance. Review status: criteria provided, multiple submitters, no conflicts (2 of 4 stars). 3 submissions from 3 submitters: Uncertain significance (3). Last evaluated 2026-07-07.

Conditions:
Hereditary cancer-predisposing syndrome. Also called: Hereditary Cancer Syndrome; Hereditary neoplastic syndrome; Neoplastic Syndromes, Hereditary; Tumor predisposition. Identifiers: Orphanet 140162, MedGen C0027672, MeSH D009386, MONDO:0015356.
Gorlin syndrome. Also called: Nevoid Basal Cell Carcinoma Syndrome; Basal cell nevus syndrome. Identifiers: Orphanet 377, MedGen C0004779, MONDO:0007187.
Medulloblastoma (MDB). Also called: MEDULLOBLASTOMA PREDISPOSITION SYNDROME; Medulloblastoma, somatic. Identifiers: Orphanet 616, MedGen C0025149, MeSH D008527, MONDO:0007959, OMIM 155255, HP:0002885.

Submissions (3):

Ambry Genetics
Classification: Uncertain significance for Hereditary cancer-predisposing syndrome. Last evaluated: 2026-07-07. Review status: criteria provided, single submitter. Criteria: Ambry Variant Classification Scheme 2023. Collection method: clinical testing. Allele origin: germline.
Comment: The p.A138V variant (also known as c.413C>T), located in coding exon 3 of the SUFU gene, results from a C to T substitution at nucleotide position 413. The alanine at codon 138 is replaced by valine, an amino acid with similar properties. This amino acid position is conserved. In addition, the in silico prediction for this alteration is inconclusive. Based on the available evidence, the clinical significance of this variant remains unclear.

Labcorp Genetics (formerly Invitae), Labcorp
Classification: Uncertain significance for Gorlin syndrome; Medulloblastoma. Last evaluated: 2023-06-14. Review status: criteria provided, single submitter. Criteria: Invitae Variant Classification Sherloc (09022015). Collection method: clinical testing. Allele origin: germline.
Comment: This variant has not been reported in the literature in individuals affected with SUFU-related conditions. This variant is not present in population databases (gnomAD no frequency). This sequence change replaces alanine, which is neutral and non-polar, with valine, which is neutral and non-polar, at codon 138 of the SUFU protein (p.Ala138Val). In summary, the available evidence is currently insufficient to determine the role of this variant in disease. Therefore, it has been classified as a Variant of Uncertain Significance. Advanced modeling of protein sequence and biophysical properties (such as structural, functional, and spatial information, amino acid conservation, physicochemical variation, residue mobility, and thermodynamic stability) has been performed at Invitae for this missense variant, however the output from this modeling did not meet the statistical confidence thresholds required to predict the impact of this variant on SUFU protein function. ClinVar contains an entry for this variant (Variation ID: 2499425).

GeneDx
Classification: Uncertain significance. Last evaluated: 2022-10-14. Review status: criteria provided, single submitter. Criteria: GeneDx Variant Classification Process June 2021. Collection method: clinical testing. Allele origin: germline. Affected: yes.
Comment: Not observed at significant frequency in large population cohorts (gnomAD); In silico analysis supports that this missense variant has a deleterious effect on protein structure/function; Has not been previously published as pathogenic or benign to our knowledge; This variant is associated with the following publications: (PMID: 24311597)